The following is an entry in ClinVar:

NM_001127644.2(GABRA1):c.865A>C (p.Thr289Pro)

Gene: GABRA1 (gamma-aminobutyric acid type A receptor subunit alpha1; plus strand). Cytogenetic location: 5q34.
Variant type: single nucleotide variant.
Coding change: c.865A>C on transcript NM_001127644.2 (MANE Select); coding-DNA position 865, A replaced by C.
Protein change: p.Thr289Pro; replaces threonine 289 with proline.
Molecular consequence: missense variant.
Genome position (GRCh38, 1-based): chr5:161,895,674, A>C. VCF-style: chr5-161895674-A-C. GRCh37 (hg19) VCF-style: chr5-161322680-A-C.
Other names: c.865A>C, p.Thr289Pro (NM_000806.5, NM_001127643.2, NM_001127645.2 and 1 more transcripts); short protein forms T289P.
Identifiers: ClinVar variation 3340284 (VCV003340284.1).

ClinVar aggregate classification (germline): Pathogenic (1 of 4 stars; one submission).

Submission:

GeneDx
Classification: Pathogenic. Last evaluated: 2023-08-21. Review status: criteria provided, single submitter. Criteria: GeneDx Variant Classification Process June 2021. Collection method: clinical testing. Allele origin: germline. Affected: yes.
Comment: Not observed at significant frequency in large population cohorts (gnomAD); In silico analysis supports that this missense variant has a deleterious effect on protein structure/function; This variant is associated with the following publications: (PMID: 27521439, 29186148)